The following is an entry in ClinVar:

ClinVar aggregate classification (germline): Pathogenic (1 of 4 stars; one submission).

Conditions:
Neurofibromatosis, type 1 (NF1). Also called: VON RECKLINGHAUSEN DISEASE; Peripheral type neurofibromatosis; NEUROFIBROMATOSIS, TYPE I, SOMATIC; Neurofibromatosis, type I. Identifiers: Orphanet 636, MedGen C0027831, MONDO:0018975, OMIM 162200. Disease mechanism: loss of function.

Submission:

Labcorp Genetics (formerly Invitae), Labcorp
Classification: Pathogenic for Neurofibromatosis, type 1. Last evaluated: 2023-03-04. Review status: criteria provided, single submitter. Criteria: Invitae Variant Classification Sherloc (09022015). Collection method: clinical testing. Allele origin: germline.
Comment: This sequence change creates a premature translational stop signal (p.Thr1184Lysfs*31) in the NF1 gene. It is expected to result in an absent or disrupted protein product. Loss-of-function variants in NF1 are known to be pathogenic (PMID: 10712197, 23913538). This variant is not present in population databases (gnomAD no frequency). This variant has not been reported in the literature in individuals affected with NF1-related conditions. ClinVar contains an entry for this variant (Variation ID: 1074329). For these reasons, this variant has been classified as Pathogenic.

Literature cited by the submitters: PubMed 10712197; PubMed 23913538.

NM_001042492.3(NF1):c.3551del (p.Thr1184fs)

Gene: NF1 (neurofibromin 1; plus strand). Cytogenetic location: 17q11.2.
Variant type: Deletion.
Coding change: c.3551del on transcript NM_001042492.3 (MANE Select); coding-DNA position 3551, one base deleted (C; older notation c.3551delC).
Protein change: p.Thr1184fs; shifts the reading frame from threonine 1184.
Molecular consequence: frameshift variant.
Genome position (GRCh38, 1-based): chr17:31,233,056, C deleted. VCF-style (leftmost placement, unchanged base first): chr17-31233055-AC-A. GRCh37 (hg19) VCF-style: chr17-29560073-AC-A.
Other names: c.3551delC, p.Thr1184Lysfs (NM_000267.4); short protein forms T1184fs.
Identifiers: ClinVar variation 1074329 (VCV001074329.5), dbSNP rs2151435402, ClinGen allele CA2499224102.